The following is an entry in ClinVar:

ClinVar aggregate classification (germline): Uncertain significance (1 of 4 stars; one submission).

Submission:

Ambry Genetics
Classification: Uncertain significance. Last evaluated: 2025-09-20. Review status: criteria provided, single submitter. Criteria: Ambry Variant Classification Scheme 2023. Collection method: clinical testing. Allele origin: germline.
Comment: The p.L775I variant (also known as c.2323C>A), located in coding exon 9 of the RNF43 gene, results from a C to A substitution at nucleotide position 2323. The leucine at codon 775 is replaced by isoleucine, an amino acid with highly similar properties. This amino acid position is conserved. In addition, this alteration is predicted to be tolerated by in silico analysis. Based on the available evidence, the clinical significance of this variant remains unclear.

NM_017763.6(RNF43):c.2323C>A (p.Leu775Ile)

Gene: RNF43 (ring finger protein 43; minus strand). Cytogenetic location: 17q22.
Variant type: single nucleotide variant.
Coding change: c.2323C>A on transcript NM_017763.6 (MANE Select); coding-DNA position 2323, C replaced by A.
Protein change: p.Leu775Ile; replaces leucine 775 with isoleucine.
Molecular consequence: missense variant.
Genome position (GRCh38, 1-based): chr17:58,354,972, G>T on the plus strand (C>A on the coding strand, the complement: RNF43 is on the minus strand). VCF-style: chr17-58354972-G-T. GRCh37 (hg19) VCF-style: chr17-56432333-G-T.
Other names: c.2323C>A, p.Leu775Ile (NM_001305544.3, NM_001438822.1); c.1942C>A, p.Leu648Ile (NM_001305545.2); short protein forms L648I, L775I.
Identifiers: ClinVar variation 4578947 (VCV004578947.1).